The following is an entry in ClinVar:

NM_020975.6(RET):c.292A>C (p.Asn98His)

Gene: RET (ret proto-oncogene; plus strand). Cytogenetic location: 10q11.21.
Variant type: single nucleotide variant.
Coding change: c.292A>C on transcript NM_020975.6 (MANE Select); coding-DNA position 292, A replaced by C.
Protein change: p.Asn98His; replaces asparagine 98 with histidine.
Molecular consequence: missense variant. On other transcripts: intron variant (4).
Genome position (GRCh38, 1-based): chr10:43,100,677, A>C. VCF-style: chr10-43100677-A-C. GRCh37 (hg19) VCF-style: chr10-43596125-A-C.
Other names: c.292A>C, p.Asn98His (NM_001406786.1, NM_001406787.1, NM_001406788.1 and 32 more transcripts); c.74-8354A>C (NM_001406784.1); c.74-11422A>C (NM_001406794.1, NM_001406792.1, NM_001406793.1); short protein forms N98H.
Identifiers: ClinVar variation 3432221 (VCV003432221.1).

ClinVar aggregate classification (germline): Uncertain significance (1 of 4 stars; one submission).

Conditions:
Hereditary cancer-predisposing syndrome. Also called: Neoplastic Syndromes, Hereditary; Tumor predisposition; Hereditary Cancer Syndrome; Hereditary neoplastic syndrome. Identifiers: Orphanet 140162, MedGen C0027672, MeSH D009386, MONDO:0015356.

Submission:

Ambry Genetics
Classification: Uncertain significance for Hereditary cancer-predisposing syndrome. Last evaluated: 2024-11-25. Review status: criteria provided, single submitter. Criteria: Ambry Variant Classification Scheme 2023. Collection method: clinical testing. Allele origin: germline.
Comment: The p.N98H variant (also known as c.292A>C), located in coding exon 2 of the RET gene, results from an A to C substitution at nucleotide position 292. The asparagine at codon 98 is replaced by histidine, an amino acid with similar properties. This amino acid position is conserved. In addition, the in silico prediction for this alteration is inconclusive. Based on the available evidence, the clinical significance of this variant remains unclear.